The following is an entry in ClinVar:

NM_002691.4(POLD1):c.1244T>A (p.Val415Glu)

Gene: POLD1 (DNA polymerase delta 1, catalytic subunit; plus strand). Cytogenetic location: 19q13.33.
Variant type: single nucleotide variant.
Coding change: c.1244T>A on transcript NM_002691.4 (MANE Select); coding-DNA position 1244, T replaced by A.
Protein change: p.Val415Glu; replaces valine 415 with glutamic acid.
Molecular consequence: missense variant. On other transcripts: non-coding transcript variant (1).
Genome position (GRCh38, 1-based): chr19:50,406,183, T>A. VCF-style: chr19-50406183-T-A. GRCh37 (hg19) VCF-style: chr19-50909440-T-A.
Other names: c.1244T>A, p.Val415Glu (NM_001256849.1, NM_001308632.1); short protein forms V415E.
Identifiers: ClinVar variation 1366334 (VCV001366334.6), dbSNP rs2038870803, ClinGen allele CA406979672.

ClinVar aggregate classification (germline): Uncertain significance (1 of 4 stars; one submission).

Conditions:
POLD1-related polyposis and colorectal cancer syndrome (CRCS10). Also called: Colorectal cancer, susceptibility to, 10; Colorectal cancer 10; COLORECTAL CANCER, SUSCEPTIBILITY TO, ON CHROMOSOME 19q. Identifiers: Orphanet 220460, MedGen C2675481, MONDO:0012953, OMIM 612591.

Submission:

Labcorp Genetics (formerly Invitae), Labcorp
Classification: Uncertain significance for POLD1-related polyposis and colorectal cancer syndrome. Last evaluated: 2021-07-08. Review status: criteria provided, single submitter. Criteria: Invitae Variant Classification Sherloc (09022015). Collection method: clinical testing. Allele origin: germline.
Comment: In summary, the available evidence is currently insufficient to determine the role of this variant in disease. Therefore, it has been classified as a Variant of Uncertain Significance. Algorithms developed to predict the effect of missense changes on protein structure and function are either unavailable or do not agree on the potential impact of this missense change (SIFT: "Deleterious"; PolyPhen-2: "Probably Damaging"; Align-GVGD: "Class C0"). This variant has not been reported in the literature in individuals affected with POLD1-related conditions. This variant is not present in population databases (ExAC no frequency). This sequence change replaces valine with glutamic acid at codon 415 of the POLD1 protein (p.Val415Glu). The valine residue is highly conserved and there is a moderate physicochemical difference between valine and glutamic acid.